The following is an entry in ClinVar:

NM_138694.4(PKHD1):c.4277C>T (p.Ser1426Leu)

Gene: PKHD1 (PKHD1 ciliary IPT domain containing fibrocystin/polyductin; minus strand). Cytogenetic location: 6p12.2.
Variant type: single nucleotide variant.
Coding change: c.4277C>T on transcript NM_138694.4 (MANE Select); coding-DNA position 4277, C replaced by T.
Protein change: p.Ser1426Leu; replaces serine 1426 with leucine.
Molecular consequence: missense variant.
Genome position (GRCh38, 1-based): chr6:52,025,533, G>A on the plus strand (C>T on the coding strand, the complement: PKHD1 is on the minus strand). VCF-style: chr6-52025533-G-A. GRCh37 (hg19) VCF-style: chr6-51890331-G-A.
Other names: c.4277C>T, p.Ser1426Leu (NM_170724.3); short protein forms S1426L.
Identifiers: ClinVar variation 498136 (VCV000498136.12), dbSNP rs771702541, ClinGen allele CA3852746.

ClinVar aggregate classification (germline): Uncertain significance. Review status: criteria provided, multiple submitters, no conflicts (2 of 4 stars). 4 submissions from 4 submitters: Uncertain significance (4). Last evaluated 2023-12-21.

Conditions:
Polycystic kidney disease 4 (PKD4). Also called: POLYCYSTIC KIDNEY AND HEPATIC DISEASE 1; POLYCYSTIC KIDNEY DISEASE, INFANTILE, TYPE I; PKD3; Autosomal Recessive Polycystic Kidney Disease – PKHD1; POLYCYSTIC KIDNEY DISEASE 4 WITH OR WITHOUT POLYCYSTIC LIVER DISEASE. Identifiers: MedGen C4540575, MONDO:0033004, OMIM 263200.
Autosomal recessive polycystic kidney disease (ARPKD). Also called: AR polycystic kidney disease. Identifiers: Orphanet 731, Orphanet 8378, MedGen C0085548, MeSH D017044, MONDO:0009889.

Allele frequency attached by ClinVar (database versions not stated): gnomAD 0.00001; ExAC 0.00002; TOPMed 0.00002.
gnomAD v4.1: 16 of 1,613,968 alleles (0.00099%); highest among the groups gnomAD compares: African/African-American, 0.0027%; no homozygotes.

Submissions (4):

Fulgent Genetics
Classification: Uncertain significance for Polycystic kidney disease 4. Last evaluated: 2023-12-21. Review status: criteria provided, single submitter. Criteria: ACMG Guidelines, 2015. Collection method: clinical testing. Allele origin: germline.

Labcorp Genetics (formerly Invitae), Labcorp
Classification: Uncertain significance for Autosomal recessive polycystic kidney disease. Last evaluated: 2022-08-16. Review status: criteria provided, single submitter. Criteria: Invitae Variant Classification Sherloc (09022015). Collection method: clinical testing. Allele origin: germline.
Comment: This sequence change replaces serine, which is neutral and polar, with leucine, which is neutral and non-polar, at codon 1426 of the PKHD1 protein (p.Ser1426Leu). This variant is present in population databases (rs771702541, gnomAD 0.01%). This variant has not been reported in the literature in individuals affected with PKHD1-related conditions. ClinVar contains an entry for this variant (Variation ID: 498136). Advanced modeling of protein sequence and biophysical properties (such as structural, functional, and spatial information, amino acid conservation, physicochemical variation, residue mobility, and thermodynamic stability) performed at Invitae indicates that this missense variant is not expected to disrupt PKHD1 protein function. In summary, the available evidence is currently insufficient to determine the role of this variant in disease. Therefore, it has been classified as a Variant of Uncertain Significance.

Illumina Laboratory Services, Illumina
Classification: Uncertain significance for Polycystic kidney disease 4. Last evaluated: 2018-01-13. Review status: criteria provided, single submitter. Criteria: ICSL Variant Classification Criteria 13 December 2019. Collection method: clinical testing. Allele origin: germline.

Eurofins Ntd Llc (ga)
Classification: Uncertain significance. Last evaluated: 2016-10-28. Review status: criteria provided, single submitter. Criteria: EGL Classification Definitions 2015. Collection method: clinical testing. Allele origin: germline. Observed: 1 variant allele, 1 heterozygote.